The following is an entry in ClinVar:

NM_021927.3(GUF1):c.833G>T (p.Gly278Val)

Gene: GUF1 (GTP binding elongation factor GUF1; plus strand). Cytogenetic location: 4p12.
Variant type: single nucleotide variant.
Coding change: c.833G>T on transcript NM_021927.3 (MANE Select); coding-DNA position 833, G replaced by T.
Protein change: p.Gly278Val; replaces glycine 278 with valine.
Molecular consequence: missense variant. On other transcripts: 5 prime UTR variant (2).
Genome position (GRCh38, 1-based): chr4:44,686,608, G>T. VCF-style: chr4-44686608-G-T. GRCh37 (hg19) VCF-style: chr4-44688625-G-T.
Other names: c.-140G>T (NM_001345867.2, NM_001345869.2); c.833G>T, p.Gly278Val (NM_001345868.2); short protein forms G278V.
Identifiers: ClinVar variation 2910184 (VCV002910184.3), dbSNP rs768312659, ClinGen allele CA2905455.

ClinVar aggregate classification (germline): Uncertain significance (1 of 4 stars; one submission).

Allele frequency attached by ClinVar (database versions not stated): ExAC 0.00001; gnomAD exomes 0.00001; TOPMed 0.00001.
gnomAD v4.1: 12 of 1,611,862 alleles (0.00074%); highest among the groups gnomAD compares: Admixed American, 0.0017%; no homozygotes.

Submission:

Labcorp Genetics (formerly Invitae), Labcorp
Classification: Uncertain significance. Last evaluated: 2023-07-10. Review status: criteria provided, single submitter. Criteria: Invitae Variant Classification Sherloc (09022015). Collection method: clinical testing. Allele origin: germline.
Comment: In summary, the available evidence is currently insufficient to determine the role of this variant in disease. Therefore, it has been classified as a Variant of Uncertain Significance. Advanced modeling of protein sequence and biophysical properties (such as structural, functional, and spatial information, amino acid conservation, physicochemical variation, residue mobility, and thermodynamic stability) performed at Invitae indicates that this missense variant is expected to disrupt GUF1 protein function. This missense change has been observed in individual(s) with intellectual disability (PMID: 29302074). This variant is present in population databases (rs768312659, gnomAD 0.0009%). This sequence change replaces glycine, which is neutral and non-polar, with valine, which is neutral and non-polar, at codon 278 of the GUF1 protein (p.Gly278Val).

Literature cited by the submitters: PubMed 29302074.